The following is an entry in ClinVar:

NM_001042492.3(NF1):c.493A>G (p.Thr165Ala)

Gene: NF1 (neurofibromin 1; plus strand). Cytogenetic location: 17q11.2.
Variant type: single nucleotide variant.
Coding change: c.493A>G on transcript NM_001042492.3 (MANE Select); coding-DNA position 493, A replaced by G.
Protein change: p.Thr165Ala; replaces threonine 165 with alanine.
Molecular consequence: missense variant.
Genome position (GRCh38, 1-based): chr17:31,169,904, A>G. VCF-style: chr17-31169904-A-G. GRCh37 (hg19) VCF-style: chr17-29496922-A-G.
Other names: c.493A>G, p.Thr165Ala (NM_000267.4, NM_001128147.3); short protein forms T165A.
Identifiers: ClinVar variation 186745 (VCV000186745.14), dbSNP rs786203186, ClinGen allele CA195740.

ClinVar aggregate classification (germline): Uncertain significance. Review status: criteria provided, multiple submitters, no conflicts (2 of 4 stars). 5 submissions from 4 submitters: Uncertain significance (5). Last evaluated 2026-01-12.

Conditions:
Hereditary cancer-predisposing syndrome. Also called: Hereditary Cancer Syndrome; Neoplastic Syndromes, Hereditary; Tumor predisposition; Hereditary neoplastic syndrome. Identifiers: Orphanet 140162, MedGen C0027672, MeSH D009386, MONDO:0015356.
Cardiovascular phenotype. Identifiers: MedGen CN230736.
Neurofibromatosis, type 1 (NF1). Also called: NEUROFIBROMATOSIS, TYPE I, SOMATIC; VON RECKLINGHAUSEN DISEASE; Peripheral type neurofibromatosis; Neurofibromatosis, type I. Identifiers: Orphanet 636, MedGen C0027831, MONDO:0018975, OMIM 162200. Disease mechanism: loss of function.

Allele frequency attached by ClinVar (database versions not stated): gnomAD exomes below 0.00001.
gnomAD v4.1: 1 of 1,609,766 alleles (0.000062%); highest among the groups gnomAD compares: Non-Finnish European, 0.000085%; no homozygotes.

Submissions (5):

Labcorp Genetics (formerly Invitae), Labcorp
Classification: Uncertain significance for Neurofibromatosis, type 1. Last evaluated: 2026-01-12. Review status: criteria provided, single submitter. Criteria: Invitae Variant Classification Sherloc (09022015). Collection method: clinical testing. Allele origin: germline.
Comment: This sequence change replaces threonine, which is neutral and polar, with alanine, which is neutral and non-polar, at codon 165 of the NF1 protein (p.Thr165Ala). This variant is not present in population databases (gnomAD no frequency). This missense change has been observed in individual(s) with neurofibromatosis type 1 (PMID: 27838393). ClinVar contains an entry for this variant (Variation ID: 186745). Invitae Evidence Modeling of protein sequence and biophysical properties (such as structural, functional, and spatial information, amino acid conservation, physicochemical variation, residue mobility, and thermodynamic stability) has been performed for this missense variant. However, the output from this modeling did not meet the statistical confidence thresholds required to predict the impact of this variant on NF1 protein function. In summary, the available evidence is currently insufficient to determine the role of this variant in disease. Therefore, it has been classified as a Variant of Uncertain Significance.

Genome-Nilou Lab
Classification: Uncertain significance for Neurofibromatosis, type 1. Last evaluated: 2022-03-15. Review status: criteria provided, single submitter. Criteria: ACMG Guidelines, 2015. Collection method: clinical testing. Allele origin: germline. Affected: no.

Ambry Genetics
Classification: Uncertain significance for Cardiovascular phenotype; Hereditary cancer-predisposing syndrome. Last evaluated: 2019-02-07. Review status: criteria provided, single submitter. Criteria: Ambry Variant Classification Scheme 2023. Collection method: clinical testing. Allele origin: germline.

Ambry Genetics
Classification: Uncertain significance for Hereditary cancer-predisposing syndrome. Last evaluated: 2014-10-20. Review status: criteria provided, single submitter. Criteria: Ambry Autosomal Dominant and X-Linked criteria (10/2015). Collection method: clinical testing. Allele origin: germline. Observed: 1 variant allele.
Comment: The p.T165A variant (also known as c.493A>G), located in coding exon 5 of the NF1 gene, results from an A to G substitution at nucleotide position 493. The threonine at codon 165 is replaced by alanine, an amino acid with similar properties. This variant was not reported in population based cohorts in the following databases: Database of Single Nucleotide Polymorphisms (dbSNP), NHLBI Exome Sequencing Project (ESP), and 1000 Genomes Project. In the ESP, this variant was not observed in 6503 samples (13006 alleles) with coverage at this position.<span style="background-color: initial;">To date, this alteration has been detected with an allele frequency of approximately 0.01% (greater than 11000 alleles tested) in our clinical cohort.<span style="background-color: initial;">This amino acid position is highly conserved in available vertebrate species. In addition, the in silico prediction for this alteration is inconclusive.<span style="background-color: initial;">Since supporting evidence is limited at this time, the clinical significance of<span style="background-color: initial;">p.T165A<span style="background-color: initial;">remains unclear.

Institute of Human Genetics, University Hospital of Duesseldorf
Classification: Uncertain significance for Neurofibromatosis, type 1. Review status: criteria provided, single submitter. Criteria: ACMG Guidelines, 2015. Collection method: not provided. Allele origin: germline. Inheritance: Autosomal dominant inheritance. Affected: yes.

Literature cited by the submitters: PubMed 27838393 (cited by Labcorp Genetics (formerly Invitae), Labcorp).